The following is an entry in ClinVar:

NM_001201427.2(DAAM2):c.3048G>A (p.Ser1016=)

Gene: DAAM2 (dishevelled associated activator of morphogenesis 2; plus strand). Cytogenetic location: 6p21.2.
Variant type: single nucleotide variant.
Coding change: c.3048G>A on transcript NM_001201427.2 (MANE Select); coding-DNA position 3048, G replaced by A.
Protein change: p.Ser1016=; no amino-acid change (serine 1016 retained).
Molecular consequence: synonymous variant.
Genome position (GRCh38, 1-based): chr6:39,901,878, G>A. VCF-style: chr6-39901878-G-A. GRCh37 (hg19) VCF-style: chr6-39869654-G-A.
Other names: c.3045G>A, p.Ser1015= (NM_015345.4).
Identifiers: ClinVar variation 4979653 (VCV004979653.1).

ClinVar aggregate classification (germline): Likely benign (1 of 4 stars; one submission).

Conditions:
DAAM2-related disorder. Also called: DAAM2-related condition.

gnomAD v4.1: 225 of 1,595,686 alleles (0.014%); highest among the groups gnomAD compares: South Asian, 0.21%; 1 homozygote.

Submission:

PreventionGenetics, part of Exact Sciences
Classification: Likely benign for DAAM2-related condition. Last evaluated: 2025-06-10. Review status: criteria provided, single submitter. Criteria: ACMG Guidelines, 2015. Collection method: clinical testing. Allele origin: germline.
Comment: This variant is classified as likely benign based on ACMG/AMP sequence variant interpretation guidelines (Richards et al. 2015 PMID: 25741868, with internal and published modifications).